The following is an entry in ClinVar:

ClinVar aggregate classification (germline): Uncertain significance (1 of 4 stars; one submission).

Conditions:
Familial melanoma. Also called: Hereditary melanoma; Hereditary cutaneous melanoma. Identifiers: Orphanet 618, MedGen C1512419, MONDO:0018961.

Submission:

Labcorp Genetics (formerly Invitae), Labcorp
Classification: Uncertain significance for Familial melanoma. Last evaluated: 2025-10-15. Review status: criteria provided, single submitter. Criteria: Invitae Variant Classification Sherloc (09022015). Collection method: clinical testing. Allele origin: germline.
Comment: This sequence change falls in intron 1 of the CDKN2A (p16INK4a) gene. It does not directly change the encoded amino acid sequence of the CDKN2A (p16INK4a) protein. It affects a nucleotide within the consensus splice site. This variant is not present in population databases (gnomAD no frequency). This variant has not been reported in the literature in individuals affected with CDKN2A (p16INK4a)-related conditions. ClinVar contains an entry for this variant (Variation ID: 1021238). Variants that disrupt the consensus splice site are a relatively common cause of aberrant splicing (PMID: 17576681, 9536098). Algorithms developed to predict the effect of sequence changes on RNA splicing suggest that this variant may disrupt the consensus splice site. In summary, the available evidence is currently insufficient to determine the role of this variant in disease. Therefore, it has been classified as a Variant of Uncertain Significance.

Literature cited by the submitters: PubMed 17576681; PubMed 9536098.

NM_000077.5(CDKN2A):c.150+5dup

Gene: CDKN2A (cyclin dependent kinase inhibitor 2A; minus strand). Cytogenetic location: 9p21.3.
Variant type: Duplication.
Coding change: c.150+5dup on transcript NM_000077.5 (MANE Select); 5 bases into the intron after coding-DNA position 150, one base duplicated (G; older notation c.150+5dupG).
Molecular consequence: intron variant. On other transcripts: frameshift variant (1).
Genome position (GRCh38, 1-based): chr9:21,974,673, C duplicated on the plus strand (G on the coding strand, the reverse complement: CDKN2A is on the minus strand); the first of 3 consecutive C bases (chr9:21,974,673-21,974,675); duplicating any one gives the same sequence. VCF-style (leftmost placement, unchanged base first): chr9-21974672-A-AC. GRCh37 (hg19) VCF-style: chr9-21974671-A-AC.
Other names: c.155dup, p.Gly52_Arg53insTer (NM_058197.5); c.-3-3465dup (NM_001363763.2); c.194-3465dup (NM_058195.4); c.150+5dup (NM_001195132.2).
Identifiers: ClinVar variation 1021238 (VCV001021238.6), dbSNP rs1235245881, ClinGen allele CA862173523.